The following is an entry in ClinVar:

NM_001164508.2(NEB):c.10141G>A (p.Asp3381Asn)

Gene: NEB (nebulin; minus strand). Cytogenetic location: 2q23.3.
Variant type: single nucleotide variant.
Coding change: c.10141G>A on transcript NM_001164508.2 (MANE Select); coding-DNA position 10141, G replaced by A.
Protein change: p.Asp3381Asn; replaces aspartic acid 3381 with asparagine.
Molecular consequence: missense variant.
Genome position (GRCh38, 1-based): chr2:151,627,525, C>T on the plus strand (G>A on the coding strand, the complement: NEB is on the minus strand). VCF-style: chr2-151627525-C-T. GRCh37 (hg19) VCF-style: chr2-152484039-C-T.
Other names: c.10141G>A, p.Asp3381Asn (NM_001164507.2, NM_001271208.2); c.9412G>A, p.Asp3138Asn (NM_004543.5); short protein forms D3381N, D3138N.
Identifiers: ClinVar variation 331482 (VCV000331482.16), dbSNP rs374760449, ClinGen allele CA1909115.
Genomic context (GRCh38, chr2:151,627,525, plus strand): 5'-TCAGTATTTCTATGAATTACTATTATGAGCACAGTTACCATGGATCTTAATTACTCACAT[C>T]GCTCTGGAGGTCATAGGCCTGCCGAGCATGGATGACATCATTCTGGTCGGGCAGGCACGT-3'
Protein context (NP_001157980.2, residues 3371-3391): HARQAYDLQS[Asp3381Asn]NIYKSDLQWL

ClinVar aggregate classification (germline): Uncertain significance. Review status: criteria provided, multiple submitters, no conflicts (2 of 4 stars). 4 submissions from 4 submitters: Uncertain significance (3). 1 of the submissions does not count toward it. Last evaluated 2022-09-15.

Conditions:
Nemaline myopathy 2 (NEM2). Also called: Nemaline myopathy 2, autosomal recessive. Identifiers: MedGen C1850569, MONDO:0009725, OMIM 256030.

Allele frequency attached by ClinVar (database versions not stated): gnomAD exomes 0.00007; ESP Exome Variant Server 0.00008; gnomAD 0.00010; ExAC 0.00011; 1000 Genomes Project 30x 0.00016; 1000 Genomes Project 0.00020; TOPMed 0.00033.
gnomAD v4.1: 68 of 1,613,258 alleles (0.0042%); highest among the groups gnomAD compares: African/African-American, 0.043%; no homozygotes.

Submissions (4):

Labcorp Genetics (formerly Invitae), Labcorp
Classification: Uncertain significance for Nemaline myopathy 2. Last evaluated: 2022-09-15. Review status: criteria provided, single submitter. Criteria: Invitae Variant Classification Sherloc (09022015). Collection method: clinical testing. Allele origin: germline.
Comment: This sequence change replaces aspartic acid, which is acidic and polar, with asparagine, which is neutral and polar, at codon 3381 of the NEB protein (p.Asp3381Asn). This variant is present in population databases (rs374760449, gnomAD 0.06%). This variant has not been reported in the literature in individuals affected with NEB-related conditions. ClinVar contains an entry for this variant (Variation ID: 331482). Algorithms developed to predict the effect of missense changes on protein structure and function are either unavailable or do not agree on the potential impact of this missense change (SIFT: "Deleterious"; PolyPhen-2: "Not Available"; Align-GVGD: "Class C0"). In summary, the available evidence is currently insufficient to determine the role of this variant in disease. Therefore, it has been classified as a Variant of Uncertain Significance.

Revvity Omics, Revvity
Classification: Uncertain significance. Last evaluated: 2022-06-21. Review status: criteria provided, single submitter. Criteria: ACMG Guidelines, 2015. Collection method: clinical testing. Allele origin: germline.

Illumina Laboratory Services, Illumina
Classification: Uncertain significance for Nemaline myopathy 2. Last evaluated: 2018-01-12. Review status: criteria provided, single submitter. Criteria: ICSL Variant Classification Criteria 13 December 2019. Collection method: clinical testing. Allele origin: germline.

Natera, Inc.
Classification: Uncertain significance for Nemaline myopathy type 2. Last evaluated: 2020-09-16. Review status: no assertion criteria provided. Collection method: clinical testing. Allele origin: germline. Not counted in ClinVar's aggregate classification.